The following is an entry in ClinVar:

NM_139076.3(ABRAXAS1):c.797-1G>A

Gene: ABRAXAS1 (abraxas 1, BRCA1 A complex subunit; minus strand). Cytogenetic location: 4q21.23.
Variant type: single nucleotide variant.
Coding change: c.797-1G>A on transcript NM_139076.3 (MANE Select); the canonical splice acceptor site of the intron before coding-DNA position 797, G replaced by A.
Molecular consequence: splice acceptor variant.
Genome position (GRCh38, 1-based): chr4:83,462,903, C>T on the plus strand (G>A on the coding strand, the complement: ABRAXAS1 is on the minus strand). VCF-style: chr4-83462903-C-T. GRCh37 (hg19) VCF-style: chr4-84384056-C-T.
Other names: c.470-1G>A (NM_001345962.2).
Identifiers: ClinVar variation 1006895 (VCV001006895.9), dbSNP rs1722192551, ClinGen allele CA357256752.

ClinVar aggregate classification (germline): Uncertain significance (1 of 4 stars; one submission).

Submission:

Labcorp Genetics (formerly Invitae), Labcorp
Classification: Uncertain significance. Last evaluated: 2022-07-05. Review status: criteria provided, single submitter. Criteria: Invitae Variant Classification Sherloc (09022015). Collection method: clinical testing. Allele origin: germline.
Comment: This variant is not present in population databases (gnomAD no frequency). This sequence change affects an acceptor splice site in intron 8 of the FAM175A gene. It is expected to disrupt RNA splicing. Variants that disrupt the donor or acceptor splice site typically lead to a loss of protein function (PMID: 16199547), however the current clinical and genetic evidence is not sufficient to establish whether loss-of-function variants in FAM175A cause disease. This variant has not been reported in the literature in individuals affected with FAM175A-related conditions. In summary, the available evidence is currently insufficient to determine the role of this variant in disease. Therefore, it has been classified as a Variant of Uncertain Significance. Algorithms developed to predict the effect of sequence changes on RNA splicing suggest that this variant may disrupt the consensus splice site. ClinVar contains an entry for this variant (Variation ID: 1006895).

Literature cited by the submitters: PubMed 16199547.